The following is an entry in ClinVar:

ClinVar aggregate classification (germline): Uncertain significance (1 of 4 stars; one submission).

Submission:

Labcorp Genetics (formerly Invitae), Labcorp
Classification: Uncertain significance. Last evaluated: 2024-02-16. Review status: criteria provided, single submitter. Criteria: Invitae Variant Classification Sherloc (09022015). Collection method: clinical testing. Allele origin: germline.
Comment: This sequence change replaces proline, which is neutral and non-polar, with serine, which is neutral and polar, at codon 251 of the SIAE protein (p.Pro251Ser). This variant is not present in population databases (gnomAD no frequency). This variant has not been reported in the literature in individuals affected with SIAE-related conditions. An algorithm developed to predict the effect of missense changes on protein structure and function (PolyPhen-2) suggests that this variant is likely to be disruptive. In summary, the available evidence is currently insufficient to determine the role of this variant in disease. Therefore, it has been classified as a Variant of Uncertain Significance.

NM_170601.5(SIAE):c.751C>T (p.Pro251Ser)

Gene: SIAE (sialic acid acetylesterase; minus strand). Cytogenetic location: 11q24.2.
Variant type: single nucleotide variant.
Coding change: c.751C>T on transcript NM_170601.5 (MANE Select); coding-DNA position 751, C replaced by T.
Protein change: p.Pro251Ser; replaces proline 251 with serine.
Molecular consequence: missense variant.
Genome position (GRCh38, 1-based): chr11:124,648,147, G>A on the plus strand (C>T on the coding strand, the complement: SIAE is on the minus strand). VCF-style: chr11-124648147-G-A. GRCh37 (hg19) VCF-style: chr11-124518043-G-A.
Other names: c.646C>T, p.Pro216Ser (NM_001199922.2); short protein forms P216S, P251S.
Identifiers: ClinVar variation 3672812 (VCV003672812.2).
Genomic context (GRCh38, chr11:124,648,147, plus strand): 5'-TCAGAGTCATATTGCACAGTGGATGGATCATGGCATTCCAGAGAACAGAGTGCTTACTGG[G>A]ACCAGTTACAGAATCGTATGGAATGGACCTGAAATCATATGATGCACAAGTGTCACCAGA-3'
Protein context (NP_733746.1, residues 241-261): GSIPYDSVTG[Pro251Ser]SKHSVLWNAM